The following is an entry in ClinVar:

ClinVar aggregate classification (germline): Benign. Review status: criteria provided, multiple submitters, no conflicts (2 of 4 stars). 5 submissions from 5 submitters: Benign (5). Last evaluated 2026-02-04.

Conditions:
Phosphoenolpyruvate carboxykinase deficiency, cytosolic (PCKDC). Also called: PCK1 DEFICIENCY, CYTOSOLIC; PEPCK DEFICIENCY, CYTOSOLIC. Identifiers: Orphanet 2880, MedGen C5574905, MONDO:0009866, OMIM 261680.

Allele frequency attached by ClinVar (database versions not stated): TOPMed 0.41102; ExAC 0.41447; gnomAD 0.42308 and 0.42887; ESP Exome Variant Server 0.44956; 1000 Genomes Project 0.31410; 1000 Genomes Project 30x 0.31871; gnomAD exomes 0.40898.
gnomAD v4.1: 752,558 of 1,609,402 alleles (47%); highest among the groups gnomAD compares: Middle Eastern, 59%; 184,534 homozygotes.

Submissions (5):

Labcorp Genetics (formerly Invitae), Labcorp
Classification: Benign. Last evaluated: 2026-02-04. Review status: criteria provided, single submitter. Criteria: Invitae Variant Classification Sherloc (09022015). Collection method: clinical testing. Allele origin: germline.

Genome-Nilou Lab
Classification: Benign for Phosphoenolpyruvate carboxykinase deficiency, cytosolic. Last evaluated: 2021-09-05. Review status: criteria provided, single submitter. Criteria: ACMG Guidelines, 2015. Collection method: clinical testing. Allele origin: germline. Affected: no.

GeneDx
Classification: Benign. Last evaluated: 2018-10-08. Review status: criteria provided, single submitter. Criteria: GeneDx Variant Classification Process June 2021. Collection method: clinical testing. Allele origin: germline. Affected: yes.

Illumina Laboratory Services, Illumina
Classification: Benign for Phosphoenolpyruvate carboxykinase deficiency, cytosolic. Last evaluated: 2018-01-13. Review status: criteria provided, single submitter. Criteria: ICSL Variant Classification Criteria 13 December 2019. Collection method: clinical testing. Allele origin: germline.
Comment: This variant was observed in the ICSL laboratory as part of a predisposition screen in an ostensibly healthy population. It had not been previously curated by ICSL or reported in the Human Gene Mutation Database (HGMD: prior to June 1st, 2018), and was therefore a candidate for classification through an automated scoring system. Utilizing variant allele frequency, disease prevalence and penetrance estimates, and inheritance mode, an automated score was calculated to assess if this variant is too frequent to cause the disease. Based on the score and internal cut-off values, a variant classified as benign is not then subjected to further curation. The score for this variant resulted in a classification of benign for this disease.

Breakthrough Genomics
Classification: Benign. Review status: criteria provided, single submitter. Criteria: ACMG Guidelines, 2015. Collection method: not provided. Allele origin: germline. Inheritance: Autosomal recessive inheritance. Affected: yes.

NM_002591.4(PCK1):c.489A>G (p.Ser163=)

Gene: PCK1 (phosphoenolpyruvate carboxykinase 1; plus strand). Cytogenetic location: 20q13.31.
Variant type: single nucleotide variant.
Coding change: c.489A>G on transcript NM_002591.4 (MANE Select); coding-DNA position 489, A replaced by G.
Protein change: p.Ser163=; no amino-acid change (serine 163 retained).
Molecular consequence: synonymous variant.
Genome position (GRCh38, 1-based): chr20:57,562,778, A>G. VCF-style: chr20-57562778-A-G. GRCh37 (hg19) VCF-style: chr20-56137834-A-G.
Identifiers: ClinVar variation 338877 (VCV000338877.16), dbSNP rs1062601, ClinGen allele CA9922033.
Genomic context (GRCh38, chr20:57,562,778, plus strand): 5'-ATTCAGCATGGGGCCGCTGGGCTCGCCTCTGTCAAAGATCGGCATCGAGCTGACGGATTC[A>G]CCCTACGTGGTGGCCAGCATGCGGATCATGACGCGGATGGGCACGCCCGTCCTGGAAGCA-3'
Protein context (NP_002582.3, residues 153-173): LSKIGIELTD[Ser163=]PYVVASMRIM